The following is an entry in ClinVar:

NM_182972.3(IRF2BP2):c.1017C>G (p.Phe339Leu)

Genes: IRF2BP2 (interferon regulatory factor 2 binding protein 2; minus strand), LOC129932810 (ATAC-STARR-seq lymphoblastoid active region 2760; plus strand). Cytogenetic location: 1q42.3.
Variant type: single nucleotide variant.
Coding change: c.1017C>G on transcript NM_182972.3 (MANE Select); coding-DNA position 1017, C replaced by G.
Protein change: p.Phe339Leu; replaces phenylalanine 339 with leucine.
Molecular consequence: missense variant. On other transcripts: intron variant (1).
Genome position (GRCh38, 1-based): chr1:234,608,478, G>C on the plus strand (C>G on the coding strand, the complement: IRF2BP2 is on the minus strand). VCF-style: chr1-234608478-G-C. GRCh37 (hg19) VCF-style: chr1-234744224-G-C.
Other names: c.1000+17C>G (NM_001077397.1); short protein forms F339L.
Identifiers: ClinVar variation 1368172 (VCV001368172.6), dbSNP rs1177415728, ClinGen allele CA345307240.
Genomic context (GRCh38, chr1:234,608,478, plus strand): 5'-AGACCCCCTCACTTCACAGCCGCCCCTACCTGCTTTAGACCCGTTGGCCCCGTTGGCCTC[G>C]AAACCCAACAACCTGCCTGCAGTCAGGGCCGGCTCCTTCTTAAACTTGCTCTCGAAGGGC-3'
Protein context (NP_892017.2, residues 329-349): PALTAGRLLG[Phe339Leu]EANGANGSKA

ClinVar aggregate classification (germline): Uncertain significance (1 of 4 stars; one submission).

Allele frequency attached by ClinVar (database versions not stated): gnomAD exomes below 0.00001.
gnomAD v4.1: 1 of 1,598,142 alleles (0.000063%); highest among the groups gnomAD compares: Non-Finnish European, 0.000085%; no homozygotes.

Submission:

Labcorp Genetics (formerly Invitae), Labcorp
Classification: Uncertain significance. Last evaluated: 2023-09-29. Review status: criteria provided, single submitter. Criteria: Invitae Variant Classification Sherloc (09022015). Collection method: clinical testing. Allele origin: germline.
Comment: This sequence change replaces phenylalanine, which is neutral and non-polar, with leucine, which is neutral and non-polar, at codon 339 of the IRF2BP2 protein (p.Phe339Leu). This variant is not present in population databases (gnomAD no frequency). This variant has not been reported in the literature in individuals affected with IRF2BP2-related conditions. ClinVar contains an entry for this variant (Variation ID: 1368172). An algorithm developed to predict the effect of missense changes on protein structure and function (PolyPhen-2) suggests that this variant is likely to be tolerated. Algorithms developed to predict the effect of sequence changes on RNA splicing suggest that this variant may create or strengthen a splice site. In summary, the available evidence is currently insufficient to determine the role of this variant in disease. Therefore, it has been classified as a Variant of Uncertain Significance.